The following is an entry in ClinVar:

ClinVar aggregate classification (germline): Uncertain significance (1 of 4 stars; one submission).

Conditions:
Melanoma, cutaneous malignant, susceptibility to, 5. Also called: Cutaneous malignant melanoma 5. Identifiers: Orphanet 618, MedGen C2751295, MONDO:0013133, OMIM 613099.

Allele frequency attached by ClinVar (database versions not stated): TOPMed 0.00003; gnomAD exomes 0.00004 and 0.00007; ExAC 0.00006.
gnomAD v4.1: 63 of 1,606,154 alleles (0.0039%); highest among the groups gnomAD compares: East Asian, 0.011%; no homozygotes.

Submission:

Labcorp Genetics (formerly Invitae), Labcorp
Classification: Uncertain significance for Melanoma, cutaneous malignant, susceptibility to, 5. Last evaluated: 2024-12-24. Review status: criteria provided, single submitter. Criteria: Invitae Variant Classification Sherloc (09022015). Collection method: clinical testing. Allele origin: germline.
Comment: This sequence change replaces proline, which is neutral and non-polar, with leucine, which is neutral and non-polar, at codon 159 of the MC1R protein (p.Pro159Leu). This variant is present in population databases (rs779593625, gnomAD 0.03%). This missense change has been observed in individual(s) with MC1R-related conditions (PMID: 19585506). ClinVar contains an entry for this variant (Variation ID: 1037323). Invitae Evidence Modeling of protein sequence and biophysical properties (such as structural, functional, and spatial information, amino acid conservation, physicochemical variation, residue mobility, and thermodynamic stability) indicates that this missense variant is not expected to disrupt MC1R protein function with a negative predictive value of 80%. In summary, the available evidence is currently insufficient to determine the role of this variant in disease. Therefore, it has been classified as a Variant of Uncertain Significance.

Literature cited by the submitters: PubMed 19585506.

NM_002386.4(MC1R):c.476C>T (p.Pro159Leu)

Gene: MC1R (melanocortin 1 receptor; plus strand). Cytogenetic location: 16q24.3.
Variant type: single nucleotide variant.
Coding change: c.476C>T on transcript NM_002386.4 (MANE Select); coding-DNA position 476, C replaced by T.
Protein change: p.Pro159Leu; replaces proline 159 with leucine.
Molecular consequence: missense variant.
Genome position (GRCh38, 1-based): chr16:89,919,734, C>T. VCF-style: chr16-89919734-C-T. GRCh37 (hg19) VCF-style: chr16-89986142-C-T.
Other names: short protein forms P159L.
Identifiers: ClinVar variation 1037323 (VCV001037323.8), dbSNP rs779593625, ClinGen allele CA8255607.